The following is an entry in ClinVar:

NM_000048.4(ASL):c.638G>C (p.Arg213Pro)

Gene: ASL (argininosuccinate lyase; plus strand). Cytogenetic location: 7q11.21.
Variant type: single nucleotide variant.
Coding change: c.638G>C on transcript NM_000048.4 (MANE Select); coding-DNA position 638, G replaced by C.
Protein change: p.Arg213Pro; replaces arginine 213 with proline.
Molecular consequence: missense variant.
Genome position (GRCh38, 1-based): chr7:66,087,369, G>C. VCF-style: chr7-66087369-G-C. GRCh37 (hg19) VCF-style: chr7-65552356-G-C.
Other names: c.560G>C, p.Arg187Pro (NM_001024946.2); c.638G>C, p.Arg213Pro (NM_001024943.2, NM_001024944.2); short protein forms R187P, R213P.
Identifiers: ClinVar variation 3011645 (VCV003011645.3), dbSNP rs1449589636, ClinGen allele CA367642976.

ClinVar aggregate classification (germline): Likely pathogenic (1 of 4 stars; one submission).

Conditions:
Argininosuccinate lyase deficiency. Also called: ARGININOSUCCINIC ACID LYASE DEFICIENCY; ASL DEFICIENCY; Argininosuccinic aciduria. Identifiers: Orphanet 23, MedGen C0268547, MONDO:0008815, OMIM 207900, HP:0025630.

Submission:

Labcorp Genetics (formerly Invitae), Labcorp
Classification: Likely pathogenic for Argininosuccinate lyase deficiency. Last evaluated: 2023-10-20. Review status: criteria provided, single submitter. Criteria: Invitae Variant Classification Sherloc (09022015). Collection method: clinical testing. Allele origin: germline.
Comment: This sequence change replaces arginine, which is basic and polar, with proline, which is neutral and non-polar, at codon 213 of the ASL protein (p.Arg213Pro). This variant is not present in population databases (gnomAD no frequency). This variant has not been reported in the literature in individuals affected with ASL-related conditions. Advanced modeling of protein sequence and biophysical properties (such as structural, functional, and spatial information, amino acid conservation, physicochemical variation, residue mobility, and thermodynamic stability) performed at Invitae indicates that this missense variant is expected to disrupt ASL protein function. This variant disrupts the p.Arg213 amino acid residue in ASL. Other variant(s) that disrupt this residue have been determined to be pathogenic (PMID: 24166829, 31709144; Invitae). This suggests that this residue is clinically significant, and that variants that disrupt this residue are likely to be disease-causing. In summary, the currently available evidence indicates that the variant is pathogenic, but additional data are needed to prove that conclusively. Therefore, this variant has been classified as Likely Pathogenic.

Literature cited by the submitters: PubMed 24166829; PubMed 31709144.